The following is an entry in ClinVar:

ClinVar aggregate classification (germline): Uncertain significance (1 of 4 stars; one submission).

Conditions:
Bardet-Biedl syndrome (BBS). Identifiers: Orphanet 110, MedGen C0752166, MONDO:0015229.

gnomAD v4.1: 1 of 1,614,018 alleles (0.000062%); highest among the groups gnomAD compares: Non-Finnish European, 0.000085%; no homozygotes.

Submission:

Labcorp Genetics (formerly Invitae), Labcorp
Classification: Uncertain significance for Bardet-Biedl syndrome. Last evaluated: 2021-07-28. Review status: criteria provided, single submitter. Criteria: Invitae Variant Classification Sherloc (09022015). Collection method: clinical testing. Allele origin: germline.
Comment: This sequence change replaces threonine with asparagine at codon 234 of the BBS4 protein (p.Thr234Asn). The threonine residue is weakly conserved and there is a small physicochemical difference between threonine and asparagine. This variant is not present in population databases (ExAC no frequency). This variant has not been reported in the literature in individuals affected with BBS4-related conditions. Algorithms developed to predict the effect of missense changes on protein structure and function (SIFT, PolyPhen-2, Align-GVGD) all suggest that this variant is likely to be tolerated. In summary, the available evidence is currently insufficient to determine the role of this variant in disease. Therefore, it has been classified as a Variant of Uncertain Significance.

NM_033028.5(BBS4):c.701C>A (p.Thr234Asn)

Gene: BBS4 (Bardet-Biedl syndrome 4; plus strand). Cytogenetic location: 15q24.1.
Variant type: single nucleotide variant.
Coding change: c.701C>A on transcript NM_033028.5 (MANE Select); coding-DNA position 701, C replaced by A.
Protein change: p.Thr234Asn; replaces threonine 234 with asparagine.
Molecular consequence: missense variant. On other transcripts: non-coding transcript variant (2), intron variant (1).
Genome position (GRCh38, 1-based): chr15:72,729,674, C>A. VCF-style: chr15-72729674-C-A. GRCh37 (hg19) VCF-style: chr15-73022015-C-A.
Other names: c.185C>A, p.Thr62Asn (NM_001252678.2); c.643-1631C>A (NM_001320665.2); short protein forms T234N, T62N.
Identifiers: ClinVar variation 1483805 (VCV001483805.6), dbSNP rs2151044050, ClinGen allele CA393077924.